The following is an entry in ClinVar:

ClinVar aggregate classification (germline): Conflicting classifications of pathogenicity. Review status: criteria provided, conflicting classifications (1 of 4 stars). 2 submissions from 2 submitters: Uncertain significance (1); Likely benign (1). Last evaluated 2023-03-23.

Conditions:
Hereditary cancer-predisposing syndrome. Also called: Neoplastic Syndromes, Hereditary; Tumor predisposition; Hereditary Cancer Syndrome; Hereditary neoplastic syndrome. Identifiers: Orphanet 140162, MedGen C0027672, MeSH D009386, MONDO:0015356.

Submissions (2):

University of Washington Department of Laboratory Medicine, University of Washington
Classification: Likely benign for Hereditary cancer-predisposing syndrome. Last evaluated: 2023-03-23. Review status: criteria provided, single submitter. Criteria: Dines et al. (Genet Med. 2020). Collection method: curation. Allele origin: germline.
Comment: Missense variant in a coldspot region where missense variants are very unlikely to be pathogenic (PMID:31911673).

BRCA2 exon 11 coldspot. Reclassification based on statistical prior probability.

Color Diagnostics, LLC DBA Color Health
Classification: Uncertain significance for Hereditary cancer-predisposing syndrome. Last evaluated: 2019-09-09. Review status: criteria provided, single submitter. Criteria: ACMG Guidelines, 2015. Collection method: clinical testing. Allele origin: germline.
Comment: This missense variant replaces aspartic acid with histidine at codon 970 of the BRCA2 protein. Computational prediction tools and conservation analyses are inconclusive regarding the impact of this variant on protein structure and function. Splice site prediction tools suggest that this variant may not impact RNA splicing. To our knowledge, functional studies have not been performed for this variant. This variant has not been reported in individuals affected with hereditary cancer in the literature. This variant has not been identified in the general population by the Genome Aggregation Database (gnomAD). The available evidence is insufficient to determine the role of this variant in disease conclusively. Therefore, this variant is classified as a Variant of Uncertain Significance.

NM_000059.4(BRCA2):c.2908G>C (p.Asp970His)

Gene: BRCA2 (BRCA2 DNA repair associated; plus strand). Cytogenetic location: 13q13.1.
Variant type: single nucleotide variant.
Coding change: c.2908G>C on transcript NM_000059.4 (MANE Select); coding-DNA position 2908, G replaced by C.
Protein change: p.Asp970His; replaces aspartic acid 970 with histidine.
Molecular consequence: missense variant.
Genome position (GRCh38, 1-based): chr13:32,337,263, G>C. VCF-style: chr13-32337263-G-C. GRCh37 (hg19) VCF-style: chr13-32911400-G-C.
Other names: short protein forms D970H.
Identifiers: ClinVar variation 918573 (VCV000918573.5), dbSNP rs397507295, ClinGen allele CA387774183.